The following is an entry in ClinVar:

ClinVar aggregate classification (germline): Uncertain significance. Review status: criteria provided, multiple submitters, no conflicts (2 of 4 stars). 4 submissions from 4 submitters: Uncertain significance (3). 1 of the submissions does not count toward it. Last evaluated 2026-05-08.

Conditions:
Citrullinemia type I (CTNL1). Also called: argininosuccinate synthetase deficiency; ASS DEFICIENCY. Identifiers: Orphanet 247525, MedGen C4721769, MONDO:0008988, OMIM 215700.
Inborn genetic diseases. Identifiers: MedGen C0950123, MeSH D030342.
Citrullinemia. Identifiers: Orphanet 187, MedGen C0175683, MONDO:0015991.

Allele frequency attached by ClinVar (database versions not stated): gnomAD exomes 0.00002 and 0.00003; ExAC 0.00003; gnomAD 0.00003; TOPMed 0.00003.
gnomAD v4.1: 33 of 1,613,758 alleles (0.002%); highest among the groups gnomAD compares: South Asian, 0.0066%; no homozygotes.

Submissions (4):

Myriad Genetics, Inc.
Classification: Uncertain significance for Citrullinemia type I. Last evaluated: 2026-05-08. Review status: criteria provided, single submitter. Criteria: Myriad Autosomal Dominant, Autosomal Recessive and X-Linked Classification Criteria (2023). Collection method: clinical testing. Allele origin: unknown.
Comment: NM_000050.4(ASS1):c.772G>A(A258T) is a missense variant classified as a variant of uncertain significance in the context of citrullinemia type 1. A258T has been observed in a case with relevant disease (PMID: 40804416). Relevant functional assessments of this variant are not available in the literature. A258T has been observed in referenced population frequency databases. In summary, there is insufficient evidence to classify NM_000050.4(ASS1):c.772G>A(A258T) as pathogenic or benign. Please note: this variant was assessed in the context of healthy population screening.

Ambry Genetics
Classification: Uncertain significance for Inborn genetic diseases. Last evaluated: 2024-05-24. Review status: criteria provided, single submitter. Criteria: Ambry Variant Classification Scheme 2023. Collection method: clinical testing. Allele origin: germline.

Labcorp Genetics (formerly Invitae), Labcorp
Classification: Uncertain significance for Citrullinemia. Last evaluated: 2022-07-19. Review status: criteria provided, single submitter. Criteria: Invitae Variant Classification Sherloc (09022015). Collection method: clinical testing. Allele origin: germline.
Comment: This sequence change replaces alanine, which is neutral and non-polar, with threonine, which is neutral and polar, at codon 258 of the ASS1 protein (p.Ala258Thr). This variant is present in population databases (rs765748014, gnomAD 0.006%). This variant has not been reported in the literature in individuals affected with ASS1-related conditions. ClinVar contains an entry for this variant (Variation ID: 967278). Algorithms developed to predict the effect of missense changes on protein structure and function are either unavailable or do not agree on the potential impact of this missense change (SIFT: "Deleterious"; PolyPhen-2: "Benign"; Align-GVGD: "Class C0"). In summary, the available evidence is currently insufficient to determine the role of this variant in disease. Therefore, it has been classified as a Variant of Uncertain Significance.

Natera, Inc.
Classification: Uncertain significance for Citrullinemia type I. Last evaluated: 2020-04-28. Review status: no assertion criteria provided. Collection method: clinical testing. Allele origin: germline. Not counted in ClinVar's aggregate classification.

Literature cited by the submitters: PubMed 40804416 (cited by Myriad Genetics, Inc.).

NM_054012.4(ASS1):c.772G>A (p.Ala258Thr)

Gene: ASS1 (argininosuccinate synthase 1; plus strand). Cytogenetic location: 9q34.11.
Variant type: single nucleotide variant.
Coding change: c.772G>A on transcript NM_054012.4 (MANE Select); coding-DNA position 772, G replaced by A.
Protein change: p.Ala258Thr; replaces alanine 258 with threonine.
Molecular consequence: missense variant.
Genome position (GRCh38, 1-based): chr9:130,479,799, G>A. VCF-style: chr9-130479799-G-A. GRCh37 (hg19) VCF-style: chr9-133355186-G-A.
Other names: c.772G>A, p.Ala258Thr (NM_000050.4); short protein forms A258T.
Identifiers: ClinVar variation 967278 (VCV000967278.8), dbSNP rs765748014, ClinGen allele CA5283454.
Genomic context (GRCh38, chr9:130,479,799, plus strand): 5'-GTCAAGGATGGCACCACCCACCAGACCTCCTTGGAGCTCTTCATGTACCTGAACGAAGTC[G>A]CGTGAGTGTCTGCAGCCCTGTCCGGCCTCTTGGGAACCGCCGTCTCGGGCGAGCACGAGC-3'
Protein context (NP_446464.1, residues 248-268): LELFMYLNEV[Ala258Thr]GKHGVGRIDI